The following is an entry in ClinVar:

ClinVar aggregate classification (germline): Uncertain significance (1 of 4 stars; one submission).

Conditions:
Hereditary diffuse gastric adenocarcinoma (HDGC). Also called: DIFFUSE GASTRIC AND LOBULAR BREAST CANCER SYNDROME. Identifiers: Orphanet 26106, MedGen C1708349, MONDO:0007648, OMIM 137215.

Allele frequency attached by ClinVar (database versions not stated): 1000 Genomes Project 0.00779; 1000 Genomes Project 30x 0.00890.
gnomAD v4.1: 2,305 of 1,234,138 alleles (0.19%); highest among the groups gnomAD compares: African/African-American, 3%; 30 homozygotes.

Submission:

European Reference Network on Genetic Tumour Risk Syndromes (ERN-GENTURIS), i3s - Instituto de Investigação e Inovação em Saúde, University of Porto
Classification: Uncertain significance for Hereditary diffuse gastric adenocarcinoma. Last evaluated: 2022-08-01. Review status: criteria provided, single submitter. Criteria: Lee et al. (Hum Mutat. 2018). Collection method: clinical testing. Allele origin: germline. Inheritance: Autosomal dominant inheritance. Affected: no. Study: ERN GENTURIS.
Comment: PM2 (PMID: 30311375)

Literature cited by the submitters: PubMed 36436516.

NM_004360.5(CDH1):c.387+76C>A

Gene: CDH1 (cadherin 1; plus strand). Cytogenetic location: 16q22.1.
Variant type: single nucleotide variant.
Coding change: c.387+76C>A on transcript NM_004360.5 (MANE Select); 76 bases into the intron after coding-DNA position 387, C replaced by A.
Molecular consequence: intron variant.
Genome position (GRCh38, 1-based): chr16:68,801,969, C>A. VCF-style: chr16-68801969-C-A. GRCh37 (hg19) VCF-style: chr16-68835872-C-A.
Other names: c.-1229+76C>A (NM_001317185.2); c.-1433+76C>A (NM_001317186.2); c.387+76C>A (NM_001317184.2).
Identifiers: ClinVar variation 2503035 (VCV002503035.1), dbSNP rs33932753, ClinGen allele CA283291736.